The following is an entry in ClinVar:

NM_004523.4(KIF11):c.1249G>C (p.Glu417Gln)

Gene: KIF11 (kinesin family member 11; plus strand). Cytogenetic location: 10q23.33.
Variant type: single nucleotide variant.
Coding change: c.1249G>C on transcript NM_004523.4 (MANE Select); coding-DNA position 1249, G replaced by C.
Protein change: p.Glu417Gln; replaces glutamic acid 417 with glutamine.
Molecular consequence: missense variant.
Genome position (GRCh38, 1-based): chr10:92,628,839, G>C. VCF-style: chr10-92628839-G-C. GRCh37 (hg19) VCF-style: chr10-94388596-G-C.
Other names: short protein forms E417Q.
Identifiers: ClinVar variation 1372742 (VCV001372742.8), dbSNP rs1452724134, ClinGen allele CA377591430.

ClinVar aggregate classification (germline): Uncertain significance (1 of 4 stars; one submission).

Submission:

Labcorp Genetics (formerly Invitae), Labcorp
Classification: Uncertain significance. Last evaluated: 2022-11-01. Review status: criteria provided, single submitter. Criteria: Invitae Variant Classification Sherloc (09022015). Collection method: clinical testing. Allele origin: germline.
Comment: This sequence change replaces glutamic acid, which is acidic and polar, with glutamine, which is neutral and polar, at codon 417 of the KIF11 protein (p.Glu417Gln). This variant is not present in population databases (gnomAD no frequency). This variant has not been reported in the literature in individuals affected with KIF11-related conditions. ClinVar contains an entry for this variant (Variation ID: 1372742). Advanced modeling of protein sequence and biophysical properties (such as structural, functional, and spatial information, amino acid conservation, physicochemical variation, residue mobility, and thermodynamic stability) performed at Invitae indicates that this missense variant is not expected to disrupt KIF11 protein function. In summary, the available evidence is currently insufficient to determine the role of this variant in disease. Therefore, it has been classified as a Variant of Uncertain Significance.